The following is an entry in ClinVar:

ClinVar aggregate classification (germline): Uncertain significance (1 of 4 stars; one submission).

Submission:

Labcorp Genetics (formerly Invitae), Labcorp
Classification: Uncertain significance. Last evaluated: 2025-08-06. Review status: criteria provided, single submitter. Criteria: Invitae Variant Classification Sherloc (09022015). Collection method: clinical testing. Allele origin: germline.
Comment: This sequence change replaces lysine, which is basic and polar, with arginine, which is basic and polar, at codon 85 of the SRCAP protein (p.Lys85Arg). This variant is not present in population databases (gnomAD no frequency). This variant has not been reported in the literature in individuals affected with SRCAP-related conditions. Invitae Evidence Modeling of protein sequence and biophysical properties (such as structural, functional, and spatial information, amino acid conservation, physicochemical variation, residue mobility, and thermodynamic stability) indicates that this missense variant is not expected to disrupt SRCAP protein function with a negative predictive value of 80%. In summary, the available evidence is currently insufficient to determine the role of this variant in disease. Therefore, it has been classified as a Variant of Uncertain Significance.

NM_006662.3(SRCAP):c.254A>G (p.Lys85Arg)

Gene: SRCAP (Snf2 related CREBBP activator protein; plus strand). Cytogenetic location: 16p11.2.
Variant type: single nucleotide variant.
Coding change: c.254A>G on transcript NM_006662.3 (MANE Select); coding-DNA position 254, A replaced by G.
Protein change: p.Lys85Arg; replaces lysine 85 with arginine.
Molecular consequence: missense variant.
Genome position (GRCh38, 1-based): chr16:30,704,263, A>G. VCF-style: chr16-30704263-A-G. GRCh37 (hg19) VCF-style: chr16-30715584-A-G.
Other names: short protein forms K85R.
Identifiers: ClinVar variation 4780107 (VCV004780107.1).